The following is an entry in ClinVar:

ClinVar aggregate classification (germline): Uncertain significance (1 of 4 stars; one submission).

Allele frequency attached by ClinVar (database versions not stated): gnomAD exomes 0.00004 and 0.00005; ExAC 0.00005; TOPMed 0.00005; gnomAD 0.00007.
gnomAD v4.1: 82 of 1,587,058 alleles (0.0052%); highest among the groups gnomAD compares: African/African-American, 0.011%; no homozygotes.

Submission:

Labcorp Genetics (formerly Invitae), Labcorp
Classification: Uncertain significance. Last evaluated: 2021-10-02. Review status: criteria provided, single submitter. Criteria: Invitae Variant Classification Sherloc (09022015). Collection method: clinical testing. Allele origin: germline.
Comment: This sequence change replaces aspartic acid with asparagine at codon 497 of the CREB3L1 protein (p.Asp497Asn). The aspartic acid residue is weakly conserved and there is a small physicochemical difference between aspartic acid and asparagine. This variant is present in population databases (rs745959450, ExAC 0.008%). This variant has not been reported in the literature in individuals affected with CREB3L1-related conditions. Algorithms developed to predict the effect of missense changes on protein structure and function output the following: SIFT: "Tolerated"; PolyPhen-2: "Benign"; Align-GVGD: "Class C0". The asparagine amino acid residue is found in multiple mammalian species, which suggests that this missense change does not adversely affect protein function. In summary, the available evidence is currently insufficient to determine the role of this variant in disease. Therefore, it has been classified as a Variant of Uncertain Significance.

NM_052854.4(CREB3L1):c.1489G>A (p.Asp497Asn)

Gene: CREB3L1 (cAMP responsive element binding protein 3 like 1; plus strand). Cytogenetic location: 11p11.2.
Variant type: single nucleotide variant.
Coding change: c.1489G>A on transcript NM_052854.4 (MANE Select); coding-DNA position 1489, G replaced by A.
Protein change: p.Asp497Asn; replaces aspartic acid 497 with asparagine.
Molecular consequence: missense variant.
Genome position (GRCh38, 1-based): chr11:46,320,494, G>A. VCF-style: chr11-46320494-G-A. GRCh37 (hg19) VCF-style: chr11-46342045-G-A.
Other names: short protein forms D497N.
Identifiers: ClinVar variation 1445432 (VCV001445432.3), dbSNP rs745959450, ClinGen allele CA5961893.
Genomic context (GRCh38, chr11:46,320,494, plus strand): 5'-GAGACCACCAAGTACCTGAGTGAGGCCTGGCCTAAAGACGGTGGAAACGGCACCAGCCCC[G>A]ACTTCTCCCACTCCAAGGAGTGGTTCCACGACAGGTGGGGTGTGTGGCCCCTTTCCCTCC-3'
Protein context (NP_443086.1, residues 487-507): PKDGGNGTSP[Asp497Asn]FSHSKEWFHD